The following is an entry in ClinVar:

ClinVar aggregate classification (germline): Likely benign (0 of 4 stars; one submission).

Conditions:
EGF-related disorder. Also called: EGF-related condition.

Allele frequency attached by ClinVar (database versions not stated): ESP Exome Variant Server 0.00008; ExAC 0.00035; 1000 Genomes Project 0.00060; 1000 Genomes Project 30x 0.00078.
gnomAD v4.1: 221 of 1,613,968 alleles (0.014%); highest among the groups gnomAD compares: South Asian, 0.23%; 2 homozygotes.

Submission:

PreventionGenetics, part of Exact Sciences
Classification: Likely benign for EGF-related condition. Last evaluated: 2019-06-12. Review status: no assertion criteria provided. Collection method: clinical testing. Allele origin: germline.
Comment: This variant is classified as likely benign based on ACMG/AMP sequence variant interpretation guidelines (Richards et al. 2015 PMID: 25741868, with internal and published modifications).

NM_001963.6(EGF):c.1258T>C (p.Leu420=)

Gene: EGF (epidermal growth factor; plus strand). Cytogenetic location: 4q25.
Variant type: single nucleotide variant.
Coding change: c.1258T>C on transcript NM_001963.6 (MANE Select); coding-DNA position 1258, T replaced by C.
Protein change: p.Leu420=; no amino-acid change (leucine 420 retained).
Molecular consequence: synonymous variant.
Genome position (GRCh38, 1-based): chr4:109,961,931, T>C. VCF-style: chr4-109961931-T-C. GRCh37 (hg19) VCF-style: chr4-110883087-T-C.
Other names: c.1258T>C, p.Leu420= (NM_001178130.3); c.1132T>C, p.Leu378= (NM_001178131.3, NM_001357021.2).
Identifiers: ClinVar variation 3033236 (VCV003033236.2), dbSNP rs368476089, ClinGen allele CA3043624.